The following is an entry in ClinVar:

NM_000274.4(OAT):c.107G>C (p.Gly36Ala)

Gene: OAT (ornithine aminotransferase; minus strand). Cytogenetic location: 10q26.13.
Variant type: single nucleotide variant.
Coding change: c.107G>C on transcript NM_000274.4 (MANE Select); coding-DNA position 107, G replaced by C.
Protein change: p.Gly36Ala; replaces glycine 36 with alanine.
Molecular consequence: missense variant. On other transcripts: intron variant (2).
Genome position (GRCh38, 1-based): chr10:124,412,065, C>G on the plus strand (G>C on the coding strand, the complement: OAT is on the minus strand). VCF-style: chr10-124412065-C-G. GRCh37 (hg19) VCF-style: chr10-126100634-C-G.
Other names: c.107G>C, p.Gly36Ala (NM_001322965.2, NM_001322966.2, NM_001322967.2 and 4 more transcripts); c.-215-3100G>C (NM_001171814.2); c.-515-3100G>C (NM_001322974.2); short protein forms G36A.
Identifiers: ClinVar variation 703521 (VCV000703521.24), dbSNP rs140786333, ClinGen allele CA5733611.

ClinVar aggregate classification (germline): Conflicting classifications of pathogenicity. Review status: criteria provided, conflicting classifications (1 of 4 stars). 7 submissions from 7 submitters: Uncertain significance (3); Benign (1); Likely benign (1). 2 of the submissions do not count toward it. Last evaluated 2026-01-28.

Conditions:
Inborn genetic diseases. Identifiers: MedGen C0950123, MeSH D030342.
OAT-related disorder. Also called: OAT-related condition.
Ornithine aminotransferase deficiency (GACR). Also called: HYPERORNITHINEMIA WITH GYRATE ATROPHY OF CHOROID AND RETINA; OAT DEFICIENCY; OKT DEFICIENCY; Ornithine ketoacid aminotransferase deficiency; Gyrate atrophy; Gyrate atrophy of choroid and retina. Identifiers: Orphanet 414, MedGen C0018425, MONDO:0009796, OMIM 258870.

Allele frequency attached by ClinVar (database versions not stated): ESP Exome Variant Server 0.00015; TOPMed 0.00015; gnomAD 0.00018 and 0.00019; ExAC 0.00027; gnomAD exomes 0.00031.

Submissions (7):

Labcorp Genetics (formerly Invitae), Labcorp
Classification: Likely benign for Ornithine aminotransferase deficiency. Last evaluated: 2026-01-28. Review status: criteria provided, single submitter. Criteria: Invitae Variant Classification Sherloc (09022015). Collection method: clinical testing. Allele origin: germline.

Blueprint Genetics
Classification: Benign. Last evaluated: 2024-11-21. Review status: criteria provided, single submitter. Criteria: ACMG Guidelines, 2015. Collection method: clinical testing. Allele origin: germline.

GeneDx
Classification: Uncertain significance. Last evaluated: 2024-04-02. Review status: criteria provided, single submitter. Criteria: GeneDx Variant Classification Process June 2021. Collection method: clinical testing. Allele origin: germline. Affected: yes.
Comment: In silico analysis supports that this missense variant does not alter protein structure/function; Has not been previously published as pathogenic or benign to our knowledge

Ambry Genetics
Classification: Uncertain significance for Inborn genetic diseases. Last evaluated: 2022-11-17. Review status: criteria provided, single submitter. Criteria: Ambry Variant Classification Scheme 2023. Collection method: clinical testing. Allele origin: germline.

Illumina Laboratory Services, Illumina
Classification: Uncertain significance for Ornithine aminotransferase deficiency. Last evaluated: 2018-01-13. Review status: criteria provided, single submitter. Criteria: ICSL Variant Classification Criteria 13 December 2019. Collection method: clinical testing. Allele origin: germline.

PreventionGenetics, part of Exact Sciences
Classification: Likely benign for OAT-related condition. Last evaluated: 2024-08-21. Review status: no assertion criteria provided. Collection method: clinical testing. Allele origin: germline. Not counted in ClinVar's aggregate classification.
Comment: This variant is classified as likely benign based on ACMG/AMP sequence variant interpretation guidelines (Richards et al. 2015 PMID: 25741868, with internal and published modifications).

Natera, Inc.
Classification: Uncertain significance for Gyrate atrophy. Last evaluated: 2020-04-11. Review status: no assertion criteria provided. Collection method: clinical testing. Allele origin: germline. Not counted in ClinVar's aggregate classification.